The following is an entry in ClinVar:

NM_001080449.3(DNA2):c.319A>G (p.Thr107Ala)

Gene: DNA2 (DNA replication helicase/nuclease 2; minus strand). Cytogenetic location: 10q21.3.
Variant type: single nucleotide variant.
Coding change: c.319A>G on transcript NM_001080449.3 (MANE Select); coding-DNA position 319, A replaced by G.
Protein change: p.Thr107Ala; replaces threonine 107 with alanine.
Molecular consequence: missense variant. On other transcripts: non-coding transcript variant (1).
Genome position (GRCh38, 1-based): chr10:68,468,245, T>C on the plus strand (A>G on the coding strand, the complement: DNA2 is on the minus strand). VCF-style: chr10-68468245-T-C. GRCh37 (hg19) VCF-style: chr10-70228002-T-C.
Other names: c.319A>G (NM_001080449.2); short protein forms T107A.
Identifiers: ClinVar variation 2715473 (VCV002715473.4), dbSNP rs1295436837, ClinGen allele CA376830040.
Genomic context (GRCh38, chr10:68,468,245, plus strand): 5'-CAGAAATCAGCATGTCTGGATACAGAATCAAATATCCAAAATCTTTATCTATTATCCAAG[T>C]GTCAGATGTGCAGTCTCCCTCCAAATGAATGATATCTCCTGGCTCTACTGGAACAGAACA-3'
Protein context (NP_001073918.2, residues 97-117): IHLEGDCTSD[Thr107Ala]WIIDKDFGYL

ClinVar aggregate classification (germline): Uncertain significance. Review status: criteria provided, multiple submitters, no conflicts (2 of 4 stars). 2 submissions from 2 submitters: Uncertain significance (2). Last evaluated 2024-01-22.

Conditions:
Inborn genetic diseases. Identifiers: MedGen C0950123, MeSH D030342.

Allele frequency attached by ClinVar (database versions not stated): gnomAD exomes below 0.00001.
gnomAD v4.1: 6 of 1,611,844 alleles (0.00037%); highest among the groups gnomAD compares: East Asian, 0.013%; no homozygotes.

Submissions (2):

Ambry Genetics
Classification: Uncertain significance for Inborn genetic diseases. Last evaluated: 2024-01-22. Review status: criteria provided, single submitter. Criteria: Ambry Variant Classification Scheme 2023. Collection method: clinical testing. Allele origin: germline.

Labcorp Genetics (formerly Invitae), Labcorp
Classification: Uncertain significance. Last evaluated: 2023-12-02. Review status: criteria provided, single submitter. Criteria: Invitae Variant Classification Sherloc (09022015). Collection method: clinical testing. Allele origin: germline.
Comment: This sequence change replaces threonine, which is neutral and polar, with alanine, which is neutral and non-polar, at codon 107 of the DNA2 protein (p.Thr107Ala). This variant is present in population databases (no rsID available, gnomAD 0.02%). This variant has not been reported in the literature in individuals affected with DNA2-related conditions. Advanced modeling of protein sequence and biophysical properties (such as structural, functional, and spatial information, amino acid conservation, physicochemical variation, residue mobility, and thermodynamic stability) performed at Invitae indicates that this missense variant is not expected to disrupt DNA2 protein function with a negative predictive value of 80%. In summary, the available evidence is currently insufficient to determine the role of this variant in disease. Therefore, it has been classified as a Variant of Uncertain Significance.